The following is an entry in ClinVar:

ClinVar aggregate classification (germline): Uncertain significance (1 of 4 stars; one submission).

gnomAD v4.1: 3 of 1,613,768 alleles (0.00019%); highest among the groups gnomAD compares: Admixed American, 0.0017%; no homozygotes.

Submission:

Labcorp Genetics (formerly Invitae), Labcorp
Classification: Uncertain significance. Last evaluated: 2024-05-21. Review status: criteria provided, single submitter. Criteria: Invitae Variant Classification Sherloc (09022015). Collection method: clinical testing. Allele origin: germline.
Comment: This sequence change replaces arginine, which is basic and polar, with glutamine, which is neutral and polar, at codon 1045 of the CYFIP2 protein (p.Arg1045Gln). This variant is not present in population databases (gnomAD no frequency). This variant has not been reported in the literature in individuals affected with CYFIP2-related conditions. Experimental studies and prediction algorithms are not available or were not evaluated, and the functional significance of this variant is currently unknown. In summary, the available evidence is currently insufficient to determine the role of this variant in disease. Therefore, it has been classified as a Variant of Uncertain Significance.

NM_001037333.3(CYFIP2):c.3134G>A (p.Arg1045Gln)

Genes: CYFIP2 (cytoplasmic FMR1 interacting protein 2; plus strand), NIPAL4-DT (NIPAL4 divergent transcript; minus strand). Cytogenetic location: 5q33.3.
Variant type: single nucleotide variant.
Coding change: c.3134G>A on transcript NM_001037333.3 (MANE Select); coding-DNA position 3134, G replaced by A.
Protein change: p.Arg1045Gln; replaces arginine 1045 with glutamine.
Molecular consequence: missense variant.
Genome position (GRCh38, 1-based): chr5:157,383,286, G>A. VCF-style: chr5-157383286-G-A. GRCh37 (hg19) VCF-style: chr5-156810294-G-A.
Other names: c.3056G>A, p.Arg1019Gln (NM_001291721.2); c.3209G>A, p.Arg1070Gln (NM_001291722.2); c.3134G>A, p.Arg1045Gln (NM_014376.4); short protein forms R1019Q, R1045Q, R1070Q.
Identifiers: ClinVar variation 3686004 (VCV003686004.2).